The following is an entry in ClinVar:

NM_001162501.2(TNRC6B):c.2977A>T (p.Met993Leu)

Gene: TNRC6B (trinucleotide repeat containing adaptor 6B; plus strand). Cytogenetic location: 22q13.1.
Variant type: single nucleotide variant.
Coding change: c.2977A>T on transcript NM_001162501.2 (MANE Select); coding-DNA position 2977, A replaced by T.
Protein change: p.Met993Leu; replaces methionine 993 with leucine.
Molecular consequence: missense variant.
Genome position (GRCh38, 1-based): chr22:40,273,436, A>T. VCF-style: chr22-40273436-A-T. GRCh37 (hg19) VCF-style: chr22-40669440-A-T.
Other names: c.736A>T, p.Met246Leu (NM_001024843.2); c.2818A>T, p.Met940Leu (NM_015088.3); short protein forms M246L, M993L, M940L.
Identifiers: ClinVar variation 5006495 (VCV005006495.2).

ClinVar aggregate classification (germline): Uncertain significance (1 of 4 stars; one submission).

Conditions:
Global developmental delay with speech and behavioral abnormalities. Identifiers: MedGen C5543226, MONDO:0030995, OMIM 619243.

gnomAD v4.1: 8 of 1,607,506 alleles (0.0005%); highest among the groups gnomAD compares: East Asian, 0.018%; no homozygotes.

Submission:

Juno Genomics, Hangzhou Juno Genomics, Inc
Classification: Uncertain significance for Global developmental delay with speech and behavioral abnormalities. Review status: criteria provided, single submitter. Criteria: ACMG Guidelines, 2015. Collection method: clinical testing. Allele origin: germline.
Comment: Absent from controls (or at extremely low frequency if recessive) in Genome Aggregation Database.;Multiple lines of computational evidence suggest no impact on gene or gene product.